The following is an entry in ClinVar:

NM_004304.5(ALK):c.1319C>T (p.Ser440Phe)

Gene: ALK (ALK receptor tyrosine kinase; minus strand). Cytogenetic location: 2p23.2.
Variant type: single nucleotide variant.
Coding change: c.1319C>T on transcript NM_004304.5 (MANE Select); coding-DNA position 1319, C replaced by T.
Protein change: p.Ser440Phe; replaces serine 440 with phenylalanine.
Molecular consequence: missense variant.
Genome position (GRCh38, 1-based): chr2:29,328,445, G>A on the plus strand (C>T on the coding strand, the complement: ALK is on the minus strand). VCF-style: chr2-29328445-G-A. GRCh37 (hg19) VCF-style: chr2-29551311-G-A.
Other names: short protein forms S440F.
Identifiers: ClinVar variation 960779 (VCV000960779.10), dbSNP rs1667340308, ClinGen allele CA346474446.
Genomic context (GRCh38, chr2:29,328,445, plus strand): 5'-TCCTGGTGGAAGTCACAGGCCTGCCCAAGCTGGAGGACTGTCCCATTCCAACAAGTGAAG[G>A]AGCTCTGCAGGGCCATCTTGGAGCCTGGGGATGTTCCTGGAGAGCACACAGACACACAAC-3'
Protein context (NP_004295.2, residues 430-450): SPGSKMALQS[Ser440Phe]FTCWNGTVLQ

ClinVar aggregate classification (germline): Uncertain significance. Review status: criteria provided, multiple submitters, no conflicts (2 of 4 stars). 2 submissions from 2 submitters: Uncertain significance (2). Last evaluated 2025-05-04.

Conditions:
Hereditary cancer-predisposing syndrome. Also called: Hereditary neoplastic syndrome; Tumor predisposition; Neoplastic Syndromes, Hereditary; Hereditary Cancer Syndrome. Identifiers: Orphanet 140162, MedGen C0027672, MeSH D009386, MONDO:0015356.
Neuroblastoma, susceptibility to, 3. Also called: ALK-Related Neuroblastic Tumor Susceptibility. Identifiers: Orphanet 635, MedGen C2751681, MONDO:0013083, OMIM 613014.

Submissions (2):

Labcorp Genetics (formerly Invitae), Labcorp
Classification: Uncertain significance for Neuroblastoma, susceptibility to, 3. Last evaluated: 2025-05-04. Review status: criteria provided, single submitter. Criteria: Invitae Variant Classification Sherloc (09022015). Collection method: clinical testing. Allele origin: germline.
Comment: This sequence change replaces serine, which is neutral and polar, with phenylalanine, which is neutral and non-polar, at codon 440 of the ALK protein (p.Ser440Phe). This variant is not present in population databases (gnomAD no frequency). This variant has not been reported in the literature in individuals affected with ALK-related conditions. ClinVar contains an entry for this variant (Variation ID: 960779). An algorithm developed to predict the effect of missense changes on protein structure and function (PolyPhen-2) suggests that this variant is likely to be tolerated. In summary, the available evidence is currently insufficient to determine the role of this variant in disease. Therefore, it has been classified as a Variant of Uncertain Significance.

Ambry Genetics
Classification: Uncertain significance for Hereditary cancer-predisposing syndrome. Last evaluated: 2025-02-15. Review status: criteria provided, single submitter. Criteria: Ambry Variant Classification Scheme 2023. Collection method: clinical testing. Allele origin: germline.
Comment: The p.S440F variant (also known as c.1319C>T), located in coding exon 6 of the ALK gene, results from a C to T substitution at nucleotide position 1319. The serine at codon 440 is replaced by phenylalanine, an amino acid with highly dissimilar properties. This amino acid position is conserved. In addition, the in silico prediction for this alteration is inconclusive. Based on the available evidence, the clinical significance of this variant remains unclear.